The following is an entry in ClinVar:

ClinVar aggregate classification (germline): Benign/Likely benign. Review status: criteria provided, multiple submitters, no conflicts (2 of 4 stars). 5 submissions from 5 submitters: Benign (3); Likely benign (2). Last evaluated 2026-07-01.

Allele frequency attached by ClinVar (database versions not stated): gnomAD exomes 0.00032 and 0.00070; ExAC 0.00089; 1000 Genomes Project 0.00260; gnomAD 0.00294 and 0.00314; 1000 Genomes Project 30x 0.00312; ESP Exome Variant Server 0.00331; TOPMed 0.00337.
gnomAD v4.1: 949 of 1,613,134 alleles (0.059%); highest among the groups gnomAD compares: African/African-American, 1.1%; 6 homozygotes.

Submissions (5):

CeGaT Center for Human Genetics Tuebingen
Classification: Likely benign. Last evaluated: 2026-07-01. Review status: criteria provided, single submitter. Criteria: CeGaT Center For Human Genetics Tuebingen Variant Classification Criteria Version 2. Collection method: clinical testing. Allele origin: germline. Affected: yes. Observed: 1 variant allele.
Comment: RTTN: BP4, BP7, BS1

Labcorp Genetics (formerly Invitae), Labcorp
Classification: Benign. Last evaluated: 2026-01-13. Review status: criteria provided, single submitter. Criteria: Invitae Variant Classification Sherloc (09022015). Collection method: clinical testing. Allele origin: germline.

Blueprint Genetics
Classification: Likely benign. Last evaluated: 2024-08-22. Review status: criteria provided, single submitter. Criteria: ACMG Guidelines, 2015. Collection method: clinical testing. Allele origin: germline.

GeneDx
Classification: Benign. Last evaluated: 2019-04-03. Review status: criteria provided, single submitter. Criteria: GeneDx Variant Classification Process June 2021. Collection method: clinical testing. Allele origin: germline. Affected: yes.

Breakthrough Genomics
Classification: Benign. Review status: criteria provided, single submitter. Criteria: ACMG Guidelines, 2015. Collection method: not provided. Allele origin: germline. Inheritance: Autosomal recessive inheritance. Affected: yes.

NM_173630.4(RTTN):c.1458G>A (p.Thr486=)

Gene: RTTN (rotatin; minus strand). Cytogenetic location: 18q22.2.
Variant type: single nucleotide variant.
Coding change: c.1458G>A on transcript NM_173630.4 (MANE Select); coding-DNA position 1458, G replaced by A.
Protein change: p.Thr486=; no amino-acid change (threonine 486 retained).
Molecular consequence: synonymous variant. On other transcripts: 5 prime UTR variant (1).
Genome position (GRCh38, 1-based): chr18:70,176,693, C>T on the plus strand (G>A on the coding strand, the complement: RTTN is on the minus strand). VCF-style: chr18-70176693-C-T. GRCh37 (hg19) VCF-style: chr18-67843929-C-T.
Other names: c.-1096G>A (NM_001318520.2).
Identifiers: ClinVar variation 385905 (VCV000385905.15), dbSNP rs115686638, ClinGen allele CA8996170.